The following is an entry in ClinVar:

ClinVar aggregate classification (germline): Likely benign (1 of 4 stars; one submission).

gnomAD v4.1: 60 of 732,646 alleles (0.0082%); highest among the groups gnomAD compares: Middle Eastern, 0.17%; 2 homozygotes.

Submission:

CeGaT Center for Human Genetics Tuebingen
Classification: Likely benign. Last evaluated: 2022-06-01. Review status: criteria provided, single submitter. Criteria: CeGaT Center For Human Genetics Tuebingen Variant Classification Criteria Version 2. Collection method: clinical testing. Allele origin: germline. Affected: yes. Observed: 1 variant allele.
Comment: MUC4: BP4, BP7

NM_018406.7(MUC4):c.11223C>T (p.His3741=)

Gene: MUC4 (mucin 4, cell surface associated). Cytogenetic location: 3q29.
Variant type: single nucleotide variant.
Coding change: c.11223C>T on transcript NM_018406.7 (MANE Select); coding-DNA position 11223, C replaced by T.
Protein change: p.His3741=; no amino-acid change (histidine 3741 retained).
Molecular consequence: synonymous variant. On other transcripts: genic upstream transcript variant (2).
Genome position (GRCh38, 1-based): chr3:195,780,357, G>A on the plus strand (C>T on the coding strand, the complement: MUC4 is on the minus strand). VCF-style: chr3-195780357-G-A. GRCh37 (hg19) VCF-style: chr3-195507228-G-A.
Other names: c.16041C>T, p.His5347= (NM_001322468.1); c.83-6052C>T (NM_138297.5); c.83-1902C>T (NM_004532.6).
Identifiers: ClinVar variation 2654407 (VCV002654407.24), dbSNP rs897641322, ClinGen allele CA2769604.
Genomic context (GRCh38, chr3:195,780,357, plus strand): 5'-AAGAGGGGTGGCGTGACCTGTGGATGCTGAGGAAGTGCTGGTGACAGGAAGAGGGGTGAC[G>A]TGACCTGTGGATGCTGAGGAAGGGCTGGTGACATGAAGAGGGGTGACGTGACCTGTAGAT-3'
Protein context (NP_060876.5, residues 3731-3751): VTSPSSASTG[His3741=]VTPLPVTSTS